The following is an entry in ClinVar:

ClinVar aggregate classification (germline): Uncertain significance. Review status: criteria provided, multiple submitters, no conflicts (2 of 4 stars). 2 submissions from 2 submitters: Uncertain significance (2). Last evaluated 2021-06-18.

Conditions:
Charcot-Marie-Tooth disease dominant intermediate B (CMTDIB). Also called: Charcot-Marie-Tooth disease dominant intermediate 1; CMT DI1; Charcot-Marie-Tooth disease dominant intermediate I; CHARCOT-MARIE-TOOTH NEUROPATHY, DOMINANT INTERMEDIATE B. Identifiers: Orphanet 100044, Orphanet 228179, MedGen C1847902, MONDO:0011674, OMIM 606482.

Submissions (2):

Labcorp Genetics (formerly Invitae), Labcorp
Classification: Uncertain significance for Charcot-Marie-Tooth disease dominant intermediate B. Last evaluated: 2021-06-18. Review status: criteria provided, single submitter. Criteria: Invitae Variant Classification Sherloc (09022015). Collection method: clinical testing. Allele origin: germline.
Comment: In summary, the available evidence is currently insufficient to determine the role of this variant in disease. Therefore, it has been classified as a Variant of Uncertain Significance. Algorithms developed to predict the effect of missense changes on protein structure and function are either unavailable or do not agree on the potential impact of this missense change (SIFT: "Tolerated"; PolyPhen-2: "Probably Damaging"; Align-GVGD: "Class C0"). This variant has not been reported in the literature in individuals with DNM2-related conditions. ClinVar contains an entry for this variant (Variation ID: 994173). This variant is not present in population databases (ExAC no frequency). This sequence change replaces serine with tyrosine at codon 448 of the DNM2 protein (p.Ser448Tyr). The serine residue is moderately conserved and there is a large physicochemical difference between serine and tyrosine.

ARUP Laboratories, Molecular Genetics and Genomics, ARUP Laboratories
Classification: Uncertain significance. Last evaluated: 2019-11-11. Review status: criteria provided, single submitter. Criteria: ARUP Molecular Germline Variant Investigation Process. Collection method: clinical testing. Allele origin: germline.
Comment: The DNM2 c.1343C>A; p.Ser448Tyr variant, to our knowledge, is not reported in the medical literature or gene-specific databases. This variant is also absent from general population databases (Exome Variant Server, Genome Aggregation Database), indicating it is not a common polymorphism. The serine at codon 448 is moderately conserved, and computational analyses (SIFT: damaging, PolyPhen-2: benign) predict conflicting effects of this variant on protein structure/function. However, due to limited information, the clinical significance of the p.Ser448Tyr variant is uncertain at this time.

NM_001005361.3(DNM2):c.1343C>A (p.Ser448Tyr)

Gene: DNM2 (dynamin 2; plus strand). Cytogenetic location: 19p13.2.
Variant type: single nucleotide variant.
Coding change: c.1343C>A on transcript NM_001005361.3 (MANE Select); coding-DNA position 1343, C replaced by A.
Protein change: p.Ser448Tyr; replaces serine 448 with tyrosine.
Molecular consequence: missense variant.
Genome position (GRCh38, 1-based): chr19:10,798,493, C>A. VCF-style: chr19-10798493-C-A. GRCh37 (hg19) VCF-style: chr19-10909169-C-A.
Other names: c.1343C>A, p.Ser448Tyr (NM_001005360.3, NM_001005362.3, NM_001190716.2 and 1 more transcripts); short protein forms S448Y.
Identifiers: ClinVar variation 994173 (VCV000994173.16), dbSNP rs2072020474, ClinGen allele CA404049526.